The following is an entry in ClinVar:

NM_000295.5(SERPINA1):c.997A>T (p.Thr333Ser)

Gene: SERPINA1 (serpin family A member 1; minus strand). Cytogenetic location: 14q32.13.
Variant type: single nucleotide variant.
Coding change: c.997A>T on transcript NM_000295.5 (MANE Select); coding-DNA position 997, A replaced by T.
Protein change: p.Thr333Ser; replaces threonine 333 with serine.
Molecular consequence: missense variant.
Genome position (GRCh38, 1-based): chr14:94,379,532, T>A on the plus strand (A>T on the coding strand, the complement: SERPINA1 is on the minus strand). VCF-style: chr14-94379532-T-A. GRCh37 (hg19) VCF-style: chr14-94845869-T-A.
Other names: c.997A>T, p.Thr333Ser (NM_001002235.3, NM_001002236.3, NM_001127700.2 and 7 more transcripts); short protein forms T333S.
Identifiers: ClinVar variation 2449431 (VCV002449431.3), dbSNP rs1896695513, ClinGen allele CA390848127.
Genomic context (GRCh38, chr14:94,379,532, plus strand): 5'-GCTTCAGGGGTGCCTCCTCTGTGACCCCGGAGAGGTCAGCCCCATTGCTGAAGACCTTAG[T>A]GATGCCCAGTTGACCCAGGACGCTCTTCAGATCATAGGTTCCAGTAATGGACAGTTTGGG-3'
Protein context (NP_000286.3, residues 323-343): LKSVLGQLGI[Thr333Ser]KVFSNGADLS

ClinVar aggregate classification (germline): Uncertain significance. Review status: criteria provided, single submitter (1 of 4 stars). 2 submissions from 2 submitters: Uncertain significance (1). 1 of the submissions does not count toward it. Last evaluated 2023-02-18.

Conditions:
SERPINA1-related disorder. Also called: SerpinA1-related disorders; SERPINA1-related condition.
Inborn genetic diseases. Identifiers: MedGen C0950123, MeSH D030342.

Allele frequency attached by ClinVar (database versions not stated): TOPMed below 0.00001.
gnomAD v4.1: 4 of 1,614,012 alleles (0.00025%); highest among the groups gnomAD compares: East Asian, 0.0022%; no homozygotes.

Submissions (2):

Ambry Genetics
Classification: Uncertain significance for Inborn genetic diseases. Last evaluated: 2023-02-18. Review status: criteria provided, single submitter. Criteria: Ambry Variant Classification Scheme 2023. Collection method: clinical testing. Allele origin: germline.
Comment: The p.T333S variant (also known as c.997A>T), located in coding exon 3 of the SERPINA1 gene, results from an A to T substitution at nucleotide position 997. The threonine at codon 333 is replaced by serine, an amino acid with similar properties. This amino acid position is conserved. In addition, this alteration is predicted to be tolerated by in silico analysis. Since supporting evidence is limited at this time, the clinical significance of this alteration remains unclear.

PreventionGenetics, part of Exact Sciences
Classification: Uncertain significance for SERPINA1-related condition. Last evaluated: 2024-07-23. Review status: no assertion criteria provided. Collection method: clinical testing. Allele origin: germline. Not counted in ClinVar's aggregate classification.
Comment: The SERPINA1 c.997A>T variant is predicted to result in the amino acid substitution p.Thr333Ser. To our knowledge, this variant has not been reported in the literature or in a large population database, indicating this variant is rare. At this time, the clinical significance of this variant is uncertain due to the absence of conclusive functional and genetic evidence.